The following is an entry in ClinVar:

NM_001035.3(RYR2):c.12608C>A (p.Ala4203Glu)

Genes: RYR2 (ryanodine receptor 2; plus strand), LOC126806068 (BRD4-independent group 4 enhancer GRCh37_chr1:237947411-237948610; plus strand). Cytogenetic location: 1q43.
Variant type: single nucleotide variant.
Coding change: c.12608C>A on transcript NM_001035.3 (MANE Select); coding-DNA position 12608, C replaced by A.
Protein change: p.Ala4203Glu; replaces alanine 4203 with glutamic acid.
Molecular consequence: missense variant.
Genome position (GRCh38, 1-based): chr1:237,784,320, C>A. VCF-style: chr1-237784320-C-A. GRCh37 (hg19) VCF-style: chr1-237947620-C-A.
Other names: short protein forms A4203E.
Identifiers: ClinVar variation 4976279 (VCV004976279.1).

ClinVar aggregate classification (germline): Uncertain significance (1 of 4 stars; one submission).

Submission:

GeneDx
Classification: Uncertain significance. Last evaluated: 2026-03-19. Review status: criteria provided, single submitter. Criteria: GeneDx Variant Classification Process June 2021. Collection method: clinical testing. Allele origin: germline.
Comment: Identified in a patient with left ventricular non-compaction in published literature (PMID: 34088380); Located in one of the three hot-spot regions of the RYR2 gene, where the majority of pathogenic missense variants occur (PMID: 19926015); Not observed at significant frequency in large population cohorts (gnomAD); In silico analysis supports that this missense variant has a deleterious effect on protein structure/function; This variant is associated with the following publications: (PMID: 19926015, 34088380)